The following is an entry in ClinVar:

NM_182914.3(SYNE2):c.10073T>G (p.Leu3358Arg)

Gene: SYNE2 (spectrin repeat containing nuclear envelope protein 2; plus strand). Cytogenetic location: 14q23.2.
Variant type: single nucleotide variant.
Coding change: c.10073T>G on transcript NM_182914.3 (MANE Select); coding-DNA position 10073, T replaced by G.
Protein change: p.Leu3358Arg; replaces leucine 3358 with arginine.
Molecular consequence: missense variant.
Genome position (GRCh38, 1-based): chr14:64,062,756, T>G. VCF-style: chr14-64062756-T-G. GRCh37 (hg19) VCF-style: chr14-64529474-T-G.
Other names: c.10073T>G, p.Leu3358Arg (NM_015180.6); short protein forms L3358R.
Identifiers: ClinVar variation 1006487 (VCV001006487.8), dbSNP rs752681009, ClinGen allele CA7221421.
Genomic context (GRCh38, chr14:64,062,756, plus strand): 5'-TTTATTGTGTTAAATAAAATTTAATACCACTTTTTTTCTAACTGTGACTCACTAGGTATC[T>G]TGAGAATTACAAATGCTATAGAAAAATGGAAGAGGATATTTACACTAACCTCAGCAAAAT-3'
Protein context (NP_878918.2, residues 3348-3368): KAQETEAERY[Leu3358Arg]ENYKCYRKME

ClinVar aggregate classification (germline): Uncertain significance (1 of 4 stars; one submission).

Conditions:
Emery-Dreifuss muscular dystrophy 5, autosomal dominant (EDMD5). Also called: EMERY-DREIFUSS MUSCULAR DYSTROPHY 5. Identifiers: Orphanet 261, MedGen C2751805, MONDO:0013072, OMIM 612999.

Allele frequency attached by ClinVar (database versions not stated): gnomAD exomes below 0.00001; ExAC 0.00001; gnomAD 0.00001.
gnomAD v4.1: 2 of 1,613,422 alleles (0.00012%); highest among the groups gnomAD compares: Middle Eastern, 0.016%; no homozygotes.

Submission:

Labcorp Genetics (formerly Invitae), Labcorp
Classification: Uncertain significance for Emery-Dreifuss muscular dystrophy 5, autosomal dominant. Last evaluated: 2022-06-11. Review status: criteria provided, single submitter. Criteria: Invitae Variant Classification Sherloc (09022015). Collection method: clinical testing. Allele origin: germline.
Comment: In summary, the available evidence is currently insufficient to determine the role of this variant in disease. Therefore, it has been classified as a Variant of Uncertain Significance. Algorithms developed to predict the effect of sequence changes on RNA splicing suggest that this variant may create or strengthen a splice site. Algorithms developed to predict the effect of missense changes on protein structure and function are either unavailable or do not agree on the potential impact of this missense change (SIFT: "Deleterious"; PolyPhen-2: "Probably Damaging"; Align-GVGD: "Class C0"). ClinVar contains an entry for this variant (Variation ID: 1006487). This variant has not been reported in the literature in individuals affected with SYNE2-related conditions. This variant is present in population databases (rs752681009, gnomAD 0.0009%). This sequence change replaces leucine, which is neutral and non-polar, with arginine, which is basic and polar, at codon 3358 of the SYNE2 protein (p.Leu3358Arg).